The following is an entry in ClinVar:

ClinVar aggregate classification (germline): Benign. Review status: criteria provided, multiple submitters, no conflicts (2 of 4 stars). 2 submissions from 2 submitters: Benign (2). Last evaluated 2018-06-14.

Allele frequency attached by ClinVar (database versions not stated): gnomAD 0.34559 and 0.35089; TOPMed 0.36096; 1000 Genomes Project 30x 0.44066; 1000 Genomes Project 0.44289.
gnomAD v4.1: 53,177 of 151,716 alleles (35%); highest among the groups gnomAD compares: South Asian, 49%; 10,130 homozygotes.

Submissions (2):

GeneDx
Classification: Benign. Last evaluated: 2018-06-14. Review status: criteria provided, single submitter. Criteria: GeneDx Variant Classification (06012015). Collection method: clinical testing. Allele origin: germline. Affected: yes.
Comment: This variant is considered likely benign or benign based on one or more of the following criteria: it is a conservative change, it occurs at a poorly conserved position in the protein, it is predicted to be benign by multiple in silico algorithms, and/or has population frequency not consistent with disease.

Breakthrough Genomics
Classification: Benign. Review status: criteria provided, single submitter. Criteria: ACMG Guidelines, 2015. Collection method: not provided. Allele origin: germline. Inheritance: Autosomal recessive inheritance. Affected: yes.

NM_000540.3(RYR1):c.8068-155A>G

Gene: RYR1 (ryanodine receptor 1; plus strand). Cytogenetic location: 19q13.2.
Variant type: single nucleotide variant.
Coding change: c.8068-155A>G on transcript NM_000540.3 (MANE Select); 155 bases into the intron before coding-DNA position 8068, A replaced by G.
Molecular consequence: intron variant.
Genome position (GRCh38, 1-based): chr19:38,504,593, A>G. VCF-style: chr19-38504593-A-G. GRCh37 (hg19) VCF-style: chr19-38995233-A-G.
Other names: c.8068-155A>G (NM_001042723.2).
Identifiers: ClinVar variation 669220 (VCV000669220.2), dbSNP rs2915950, ClinGen allele CA308116148.
Genomic context (GRCh38, chr19:38,504,593, plus strand): 5'-GGGGTGGACCTCTAGTTTGGGAGCTTGGAGAGGGCAATATGGGGATGATTTGAGCATACA[A>G]TTGGGACTGACATTTGGGTTTCAAGGAGAGGGACCATAATTCAGGTTTGGGGTTCAGGGA-3'